The following is an entry in ClinVar:

NM_020975.6(RET):c.1948G>A (p.Val650Met)

Gene: RET (ret proto-oncogene; plus strand). Cytogenetic location: 10q11.21.
Variant type: single nucleotide variant.
Coding change: c.1948G>A on transcript NM_020975.6 (MANE Select); coding-DNA position 1948, G replaced by A.
Protein change: p.Val650Met; replaces valine 650 with methionine.
Molecular consequence: missense variant. On other transcripts: intron variant (4).
Genome position (GRCh38, 1-based): chr10:43,114,548, G>A. VCF-style: chr10-43114548-G-A. GRCh37 (hg19) VCF-style: chr10-43609996-G-A.
Other names: c.1948G>A, p.Val650Met (NM_000323.2, NM_001406743.1, NM_001406744.1 and 4 more transcripts); c.1186G>A, p.Val396Met (NM_001355216.2); c.1819G>A, p.Val607Met (NM_001406761.1, NM_001406762.1, NM_001406764.1); c.1660G>A, p.Val554Met (NM_001406766.1, NM_001406767.1, NM_001406770.1); c.1552G>A, p.Val518Met (NM_001406769.1, NM_001406772.1); c.1510G>A, p.Val504Met (NM_001406771.1, NM_001406773.1); c.1423G>A, p.Val475Met (NM_001406774.1); c.1222G>A, p.Val408Met (NM_001406775.1, NM_001406776.1, NM_001406777.1 and 1 more transcripts); and 10 more; short protein forms V215M, V311M, V320M, V518M, V255M, V408M, V475M, V607M.
Identifiers: ClinVar variation 2808343 (VCV002808343.4), dbSNP rs2132847037, ClinGen allele CA376552995.

ClinVar aggregate classification (germline): Uncertain significance. Review status: criteria provided, multiple submitters, no conflicts (2 of 4 stars). 2 submissions from 2 submitters: Uncertain significance (2). Last evaluated 2025-10-21.

Conditions:
Multiple endocrine neoplasia, type 2 (MEN2). Identifiers: Orphanet 653, MedGen C4048306, MONDO:0019003. Disease mechanism: gain of function.
Hereditary cancer-predisposing syndrome. Also called: Tumor predisposition; Hereditary Cancer Syndrome; Hereditary neoplastic syndrome; Neoplastic Syndromes, Hereditary. Identifiers: Orphanet 140162, MedGen C0027672, MeSH D009386, MONDO:0015356.

Submissions (2):

Ambry Genetics
Classification: Uncertain significance for Hereditary cancer-predisposing syndrome. Last evaluated: 2025-10-21. Review status: criteria provided, single submitter. Criteria: Ambry Variant Classification Scheme 2023. Collection method: clinical testing. Allele origin: germline.
Comment: The p.V650M variant (also known as c.1948G>A), located in coding exon 11 of the RET gene, results from a G to A substitution at nucleotide position 1948. The valine at codon 650 is replaced by methionine, an amino acid with highly similar properties. This amino acid position is conserved. In addition, the in silico prediction for this alteration is inconclusive. Based on the available evidence, the clinical significance of this variant remains unclear.

Labcorp Genetics (formerly Invitae), Labcorp
Classification: Uncertain significance for Multiple endocrine neoplasia, type 2. Last evaluated: 2022-10-18. Review status: criteria provided, single submitter. Criteria: Invitae Variant Classification Sherloc (09022015). Collection method: clinical testing. Allele origin: germline.
Comment: This sequence change replaces valine, which is neutral and non-polar, with methionine, which is neutral and non-polar, at codon 650 of the RET protein (p.Val650Met). This variant is not present in population databases (gnomAD no frequency). This variant has not been reported in the literature in individuals affected with RET-related conditions. Algorithms developed to predict the effect of missense changes on protein structure and function output the following: SIFT: "Tolerated"; PolyPhen-2: "Benign"; Align-GVGD: "Class C0". The methionine amino acid residue is found in multiple mammalian species, which suggests that this missense change does not adversely affect protein function. In summary, the available evidence is currently insufficient to determine the role of this variant in disease. Therefore, it has been classified as a Variant of Uncertain Significance.